The following is an entry in ClinVar:

NM_144999.4(LRRC45):c.670A>G (p.Met224Val)

Gene: LRRC45 (leucine rich repeat containing 45; plus strand). Cytogenetic location: 17q25.3.
Variant type: single nucleotide variant.
Coding change: c.670A>G on transcript NM_144999.4 (MANE Select); coding-DNA position 670, A replaced by G.
Protein change: p.Met224Val; replaces methionine 224 with valine.
Molecular consequence: missense variant.
Genome position (GRCh38, 1-based): chr17:82,026,907, A>G. VCF-style: chr17-82026907-A-G. GRCh37 (hg19) VCF-style: chr17-79984783-A-G.
Other names: c.670A>G (NM_144999.2); short protein forms M224V.
Identifiers: ClinVar variation 3350958 (VCV003350958.2).

ClinVar aggregate classification (germline): Uncertain significance. Review status: criteria provided, single submitter (1 of 4 stars). 2 submissions from 2 submitters: Uncertain significance (1). 1 of the submissions does not count toward it. Last evaluated 2024-07-16.

Conditions:
LRRC45-related disorder. Also called: LRRC45-related condition.

gnomAD v4.1: 34 of 1,603,638 alleles (0.0021%); highest among the groups gnomAD compares: African/African-American, 0.033%; no homozygotes.

Submissions (2):

Ambry Genetics
Classification: Uncertain significance. Last evaluated: 2024-07-16. Review status: criteria provided, single submitter. Criteria: Ambry Variant Classification Scheme 2023. Collection method: clinical testing. Allele origin: germline.

PreventionGenetics, part of Exact Sciences
Classification: Uncertain significance for LRRC45-related condition. Last evaluated: 2024-08-09. Review status: no assertion criteria provided. Collection method: clinical testing. Allele origin: germline. Not counted in ClinVar's aggregate classification.
Comment: The LRRC45 c.670A>G variant is predicted to result in the amino acid substitution p.Met224Val. To our knowledge, this variant has not been reported in the literature. This variant is reported in 0.042% of alleles in individuals of African descent in gnomAD. At this time, the clinical significance of this variant is uncertain due to the absence of conclusive functional and genetic evidence.